The following is an entry in ClinVar:

ClinVar aggregate classification (germline): Uncertain significance (1 of 4 stars; one submission).

Submission:

GeneDx
Classification: Uncertain significance. Last evaluated: 2024-02-21. Review status: criteria provided, single submitter. Criteria: GeneDx Variant Classification Process June 2021. Collection method: clinical testing. Allele origin: germline. Affected: yes.
Comment: Frameshift variant predicted to result in abnormal protein length as the last 63 amino acids are replaced with 6 different amino acids; Not observed at significant frequency in large population cohorts (gnomAD); Has not been previously published as pathogenic or benign to our knowledge

NM_003128.3(SPTBN1):c.6904_6905del (p.Ile2302fs)

Genes: SPTBN1 (spectrin beta, non-erythrocytic 1; plus strand), SPTBN1-AS2 (SPTBN1 antisense RNA 2; minus strand). Cytogenetic location: 2p16.2.
Variant type: Deletion.
Coding change: c.6904_6905del on transcript NM_003128.3 (MANE Select); coding-DNA positions 6904 to 6905, 2 bases deleted (AT; older notation c.6904_6905delAT).
Protein change: p.Ile2302fs; shifts the reading frame from isoleucine 2302.
Molecular consequence: frameshift variant.
Genome position (GRCh38, 1-based): chr2:54,668,378-54,668,379, AT deleted; deleting any 2 consecutive bases within chr2:54,668,377-54,668,379 gives the same sequence; the c. name uses the placement nearest the transcript's 3' end. VCF-style (leftmost placement, unchanged base first): chr2-54668376-CTA-C. GRCh37 (hg19) VCF-style: chr2-54895513-CTA-C.
Other names: short protein forms I2302fs.
Identifiers: ClinVar variation 3369390 (VCV003369390.1).